The following is an entry in ClinVar:

NM_173086.5(KRT6C):c.1694A>G (p.Ter565=)

Gene: KRT6C (keratin 6C; minus strand). Cytogenetic location: 12q13.13.
Variant type: single nucleotide variant.
Coding change: c.1694A>G on transcript NM_173086.5 (MANE Select); coding-DNA position 1694, A replaced by G.
Protein change: p.Ter565=.
Molecular consequence: synonymous variant.
Genome position (GRCh38, 1-based): chr12:52,469,063, T>C on the plus strand (A>G on the coding strand, the complement: KRT6C is on the minus strand). VCF-style: chr12-52469063-T-C. GRCh37 (hg19) VCF-style: chr12-52862847-T-C.
Identifiers: ClinVar variation 3053196 (VCV003053196.2), dbSNP rs746995539, ClinGen allele CA6581001.
Genomic context (GRCh38, chr12:52,469,063, plus strand): 5'-CGGCTCTGCAGCCAGAGAAGGGCCTGAGGACTGTGGGACCGAGAGCTGGAGGCAGCACTT[T>C]AGTGCTTGTAGCTCTTCCTGCTGGAGGAGGAGGTGGTGGTGTACTTGATGGTGGAACTGC-3'

ClinVar aggregate classification (germline): Likely benign (0 of 4 stars; one submission).

Conditions:
KRT6C-related disorder. Also called: KRT6C-related condition.

Allele frequency attached by ClinVar (database versions not stated): gnomAD 0.00001; ExAC 0.00002; gnomAD exomes 0.00003; TOPMed 0.00006.
gnomAD v4.1: 48 of 1,613,988 alleles (0.003%); highest among the groups gnomAD compares: Admixed American, 0.037%; no homozygotes.

Submission:

PreventionGenetics, part of Exact Sciences
Classification: Likely benign for KRT6C-related condition. Last evaluated: 2019-09-05. Review status: no assertion criteria provided. Collection method: clinical testing. Allele origin: germline.
Comment: This variant is classified as likely benign based on ACMG/AMP sequence variant interpretation guidelines (Richards et al. 2015 PMID: 25741868, with internal and published modifications).